The following is an entry in ClinVar:

ClinVar aggregate classification (germline): Benign/Likely benign. Review status: criteria provided, multiple submitters, no conflicts (2 of 4 stars). 5 submissions from 5 submitters: Benign (3); Likely benign (2). Last evaluated 2026-02-04.

Conditions:
Immunodeficiency 23 (IMD23). Also called: IMMUNODEFICIENCY WITH HYPER IgE AND COGNITIVE IMPAIRMENT; IMMUNODEFICIENCY-VASCULITIS-MYOCLONUS SYNDROME. Identifiers: Orphanet 443811, MedGen C4014371, MONDO:0014353, OMIM 615816.

Allele frequency attached by ClinVar (database versions not stated): gnomAD exomes 0.26527 and 0.27380; ExAC 0.27816; gnomAD 0.34507 and 0.35079; ESP Exome Variant Server 0.35276; TOPMed 0.35334; 1000 Genomes Project 0.35503; 1000 Genomes Project 30x 0.35853.
gnomAD v4.1: 440,446 of 1,612,928 alleles (27%); highest among the groups gnomAD compares: African/African-American, 56%; 64,262 homozygotes.

Submissions (5):

Labcorp Genetics (formerly Invitae), Labcorp
Classification: Benign for Immunodeficiency 23. Last evaluated: 2026-02-04. Review status: criteria provided, single submitter. Criteria: Invitae Variant Classification Sherloc (09022015). Collection method: clinical testing. Allele origin: germline.

Women's Health and Genetics/Laboratory Corporation of America, LabCorp
Classification: Likely benign. Last evaluated: 2026-01-21. Review status: criteria provided, single submitter. Criteria: LabCorp Variant Classification Summary - May 2015. Collection method: clinical testing. Allele origin: germline.

Blueprint Genetics
Classification: Likely benign. Last evaluated: 2024-11-27. Review status: criteria provided, single submitter. Criteria: ACMG Guidelines, 2015. Collection method: clinical testing. Allele origin: germline.

Mayo Clinic Laboratories, Mayo Clinic
Classification: Benign. Last evaluated: 2022-09-06. Review status: criteria provided, single submitter. Criteria: ACMG Guidelines, 2015. Collection method: clinical testing. Allele origin: germline. Observed: 92 variant alleles.

GeneDx
Classification: Benign. Last evaluated: 2018-06-14. Review status: criteria provided, single submitter. Criteria: GeneDx Variant Classification (06012015). Collection method: clinical testing. Allele origin: germline. Affected: yes.
Comment: This variant is considered likely benign or benign based on one or more of the following criteria: it is a conservative change, it occurs at a poorly conserved position in the protein, it is predicted to be benign by multiple in silico algorithms, and/or has population frequency not consistent with disease.

NM_015599.3(PGM3):c.1396G>A (p.Asp466Asn)

Genes: DOP1A (DOP1 leucine zipper like protein A; plus strand), PGM3 (phosphoglucomutase 3; minus strand). Cytogenetic location: 6q14.1.
Variant type: single nucleotide variant.
Coding change: c.1396G>A on transcript NM_015599.3 (MANE Select); coding-DNA position 1396, G replaced by A.
Protein change: p.Asp466Asn; replaces aspartic acid 466 with asparagine.
Molecular consequence: missense variant. On other transcripts: non-coding transcript variant (1).
Genome position (GRCh38, 1-based): chr6:83,170,448, C>T on the plus strand (G>A on the coding strand, the complement: PGM3 is on the minus strand). VCF-style: chr6-83170448-C-T. GRCh37 (hg19) VCF-style: chr6-83880167-C-T.
Other names: p.Asp494Asn; c.1480G>A, p.Asp494Asn (NM_001199917.2, NM_001367287.1); c.1153G>A, p.Asp385Asn (NM_001199918.2); c.1396G>A, p.Asp466Asn (NM_001199919.2); c.1273G>A, p.Asp425Asn (NM_001367286.1); short protein forms D425N, D466N, D385N, D494N.
Identifiers: ClinVar variation 681218 (VCV000681218.13), dbSNP rs473267, ClinGen allele CA3906523.